The following is an entry in ClinVar:

NM_001267550.2(TTN):c.103100G>C (p.Arg34367Thr)

Genes: TTN-AS1 (TTN antisense RNA 1; plus strand), TTN (titin; minus strand). Cytogenetic location: 2q31.2.
Variant type: single nucleotide variant.
Coding change: c.103100G>C on transcript NM_001267550.2 (MANE Select); coding-DNA position 103100, G replaced by C.
Protein change: p.Arg34367Thr; replaces arginine 34367 with threonine.
Molecular consequence: missense variant.
Genome position (GRCh38, 1-based): chr2:178,533,515, C>G on the plus strand (G>C on the coding strand, the complement: TTN is on the minus strand). VCF-style: chr2-178533515-C-G. GRCh37 (hg19) VCF-style: chr2-179398242-C-G.
Other names: c.98177G>C, p.Arg32726Thr (NM_001256850.1); c.75905G>C, p.Arg25302Thr (NM_003319.4); c.95396G>C, p.Arg31799Thr (NM_133378.4); c.76280G>C, p.Arg25427Thr (NM_133432.3); c.76481G>C, p.Arg25494Thr (NM_133437.4); short protein forms R25302T, R32726T, R34367T, R25427T, R25494T, R31799T.
Identifiers: ClinVar variation 4784591 (VCV004784591.1).
Genomic context (GRCh38, chr2:178,533,515, plus strand): 5'-GACACTCTGATCTCAAAGCAGACACTTTGGCCTTCTTGGCATTCTGCATTTGCCAGTAAC[C>G]TTTTGAACATGGGTCTTAAGGTACTATCTGTTGGAGGTGGGTGTAGGGTTACTGTCAGCT-3'
Protein context (NP_001254479.2, residues 34357-34377): TDSTLRPMFK[Arg34367Thr]LLANAECQEG

ClinVar aggregate classification (germline): Uncertain significance (1 of 4 stars; one submission).

Conditions:
Dilated cardiomyopathy 1G (CMD1G). Identifiers: Orphanet 154, MedGen C1858763, MONDO:0011400, OMIM 604145.
Autosomal recessive limb-girdle muscular dystrophy type 2J (LGMDR10). Also called: Limb-girdle muscular dystrophy, type 2J; MUSCULAR DYSTROPHY, LIMB-GIRDLE, AUTOSOMAL RECESSIVE 10. Identifiers: Orphanet 140922, MedGen C1837342, MONDO:0012127, OMIM 608807.

Submission:

Labcorp Genetics (formerly Invitae), Labcorp
Classification: Uncertain significance for Dilated cardiomyopathy 1G; Autosomal recessive limb-girdle muscular dystrophy type 2J. Last evaluated: 2025-07-06. Review status: criteria provided, single submitter. Criteria: Invitae Variant Classification Sherloc (09022015). Collection method: clinical testing. Allele origin: germline.
Comment: This sequence change replaces arginine, which is basic and polar, with threonine, which is neutral and polar, at codon 34367 of the TTN protein (p.Arg34367Thr). This variant is present in population databases (rs749757727, gnomAD 0.01%). This variant has not been reported in the literature in individuals affected with TTN-related conditions. Experimental studies and prediction algorithms are not available or were not evaluated, and the functional significance of this variant is currently unknown. This variant is located in the M band of TTN (PMID: 25589632). Non-truncating variants in this region may be relevant for neuromuscular disorders, but have not been definitively shown to cause cardiomyopathy (PMID: 23975875). In summary, the available evidence is currently insufficient to determine the role of this variant in disease. Therefore, it has been classified as a Variant of Uncertain Significance.

Literature cited by the submitters: PubMed 25589632; PubMed 23975875.